The following is an entry in ClinVar:

NM_014874.4(MFN2):c.2212G>A (p.Ala738Thr)

Gene: MFN2 (mitofusin 2; plus strand). Cytogenetic location: 1p36.22.
Variant type: single nucleotide variant.
Coding change: c.2212G>A on transcript NM_014874.4 (MANE Select); coding-DNA position 2212, G replaced by A.
Protein change: p.Ala738Thr; replaces alanine 738 with threonine.
Molecular consequence: missense variant.
Genome position (GRCh38, 1-based): chr1:12,011,503, G>A. VCF-style: chr1-12011503-G-A. GRCh37 (hg19) VCF-style: chr1-12071560-G-A.
Other names: c.2212G>A, p.Ala738Thr (NM_001127660.2); short protein forms A738T.
Identifiers: ClinVar variation 543203 (VCV000543203.11), dbSNP rs1553146551, ClinGen allele CA338453821.

ClinVar aggregate classification (germline): Conflicting classifications of pathogenicity. Review status: criteria provided, conflicting classifications (1 of 4 stars). 2 submissions from 2 submitters: Likely pathogenic (1); Uncertain significance (1). Last evaluated 2025-07-30.

Conditions:
Charcot-Marie-Tooth disease type 2. Also called: Charcot-Marie-Tooth type 2. Identifiers: Orphanet 64746, MedGen C0270914, MONDO:0018993.

Submissions (2):

Labcorp Genetics (formerly Invitae), Labcorp
Classification: Likely pathogenic for Charcot-Marie-Tooth disease type 2. Last evaluated: 2025-07-30. Review status: criteria provided, single submitter. Criteria: Invitae Variant Classification Sherloc (09022015). Collection method: clinical testing. Allele origin: germline.
Comment: This sequence change replaces alanine, which is neutral and non-polar, with threonine, which is neutral and polar, at codon 738 of the MFN2 protein (p.Ala738Thr). This variant is not present in population databases (gnomAD no frequency). This variant has not been reported in the literature in individuals affected with MFN2-related conditions. ClinVar contains an entry for this variant (Variation ID: 543203). Invitae Evidence Modeling of protein sequence and biophysical properties (such as structural, functional, and spatial information, amino acid conservation, physicochemical variation, residue mobility, and thermodynamic stability) indicates that this missense variant is expected to disrupt MFN2 protein function with a positive predictive value of 95%. This variant disrupts the p.Ala738 amino acid residue in MFN2. Other variant(s) that disrupt this residue have been determined to be pathogenic (PMID: 21149811, 21601224, 24819634). This suggests that this residue is clinically significant, and that variants that disrupt this residue are likely to be disease-causing. In summary, the currently available evidence indicates that the variant is pathogenic, but additional data are needed to prove that conclusively. Therefore, this variant has been classified as Likely Pathogenic.

Athena Diagnostics
Classification: Uncertain significance. Last evaluated: 2024-12-19. Review status: criteria provided, single submitter. Criteria: Athena Diagnostics Criteria. Collection method: clinical testing. Allele origin: unknown.
Comment: Available data are insufficient to determine the clinical significance of the variant at this time. This variant has not been reported in large, multi-ethnic general populations. Polyphen and MutationTaster predict this amino acid change may be damaging to the protein.

Literature cited by the submitters: PubMed 21149811 (cited by Labcorp Genetics (formerly Invitae), Labcorp); PubMed 21601224 (cited by Labcorp Genetics (formerly Invitae), Labcorp); PubMed 24819634 (cited by Labcorp Genetics (formerly Invitae), Labcorp).